The following is an entry in ClinVar:

ClinVar aggregate classification (germline): Uncertain significance. Review status: criteria provided, multiple submitters, no conflicts (2 of 4 stars). 2 submissions from 2 submitters: Uncertain significance (2). Last evaluated 2024-05-15.

Allele frequency attached by ClinVar (database versions not stated): ExAC 0.00014; ESP Exome Variant Server 0.00023; gnomAD 0.00026; TOPMed 0.00027; 1000 Genomes Project 0.00040; 1000 Genomes Project 30x 0.00047.
gnomAD v4.1: 413 of 1,614,026 alleles (0.026%); highest among the groups gnomAD compares: African/African-American, 0.053%; no homozygotes.

Submissions (2):

Ambry Genetics
Classification: Uncertain significance. Last evaluated: 2024-05-15. Review status: criteria provided, single submitter. Criteria: Ambry Variant Classification Scheme 2023. Collection method: clinical testing. Allele origin: germline.

Labcorp Genetics (formerly Invitae), Labcorp
Classification: Uncertain significance. Last evaluated: 2023-03-24. Review status: criteria provided, single submitter. Criteria: Invitae Variant Classification Sherloc (09022015). Collection method: clinical testing. Allele origin: germline.
Comment: In summary, the available evidence is currently insufficient to determine the role of this variant in disease. Therefore, it has been classified as a Variant of Uncertain Significance. Algorithms developed to predict the effect of missense changes on protein structure and function output the following: SIFT: "Not Available"; PolyPhen-2: "Benign"; Align-GVGD: "Not Available". The isoleucine amino acid residue is found in multiple mammalian species, which suggests that this missense change does not adversely affect protein function. ClinVar contains an entry for this variant (Variation ID: 2373568). This variant has not been reported in the literature in individuals affected with DYNC1I1-related conditions. This variant is present in population databases (rs148644569, gnomAD 0.06%), and has an allele count higher than expected for a pathogenic variant. This sequence change replaces valine, which is neutral and non-polar, with isoleucine, which is neutral and non-polar, at codon 336 of the DYNC1I1 protein (p.Val336Ile).

NM_001135556.2(DYNC1I1):c.955G>A (p.Val319Ile)

Gene: DYNC1I1 (dynein cytoplasmic 1 intermediate chain 1; plus strand). Cytogenetic location: 7q21.3.
Variant type: single nucleotide variant.
Coding change: c.955G>A on transcript NM_001135556.2 (MANE Select); coding-DNA position 955, G replaced by A.
Protein change: p.Val319Ile; replaces valine 319 with isoleucine.
Molecular consequence: missense variant.
Genome position (GRCh38, 1-based): chr7:95,996,059, G>A. VCF-style: chr7-95996059-G-A. GRCh37 (hg19) VCF-style: chr7-95625371-G-A.
Other names: c.895G>A, p.Val299Ile (NM_001135557.2, NM_001278422.2); c.946G>A, p.Val316Ile (NM_001278421.2); c.1006G>A, p.Val336Ile (NM_004411.5); short protein forms V319I, V336I, V316I, V299I.
Identifiers: ClinVar variation 2373568 (VCV002373568.6), dbSNP rs148644569, ClinGen allele CA4352403.